The following is an entry in ClinVar:

NM_000593.6(TAP1):c.*76A>C

Genes: PSMB8-AS1 (PSMB8 antisense RNA 1; plus strand), TAP1 (transporter 1, ATP binding cassette subfamily B member; minus strand). Cytogenetic location: 6p21.32.
Variant type: single nucleotide variant.
Coding change: c.*76A>C on transcript NM_000593.6 (MANE Select); 76 bases downstream of the stop codon, A replaced by C.
Molecular consequence: 3 prime UTR variant. On other transcripts: non-coding transcript variant (4).
Genome position (GRCh38, 1-based): chr6:32,845,503, T>G on the plus strand (A>C on the coding strand, the complement: TAP1 is on the minus strand). VCF-style: chr6-32845503-T-G. GRCh37 (hg19) VCF-style: chr6-32813280-T-G.
Other names: c.*76A>C (NM_001292022.2).
Identifiers: ClinVar variation 3024794 (VCV003024794.22), dbSNP rs541148983, ClinGen allele CA137011801.

ClinVar aggregate classification (germline): Likely benign (1 of 4 stars; one submission).

Allele frequency attached by ClinVar (database versions not stated): gnomAD 0.00279; TOPMed 0.00291; 1000 Genomes Project 0.00319; 1000 Genomes Project 30x 0.00328; gnomAD exomes 0.00417.
gnomAD v4.1: 6,132 of 1,498,874 alleles (0.41%); highest among the groups gnomAD compares: Middle Eastern, 4.6%; 45 homozygotes.

Submission:

CeGaT Center for Human Genetics Tuebingen
Classification: Likely benign. Last evaluated: 2026-06-01. Review status: criteria provided, single submitter. Criteria: CeGaT Center For Human Genetics Tuebingen Variant Classification Criteria Version 2. Collection method: clinical testing. Allele origin: germline. Affected: yes. Observed: 4 variant alleles.
Comment: TAP1: BP4, BP7, BS2; PSMB8-AS1: BS2